The following is an entry in ClinVar:

ClinVar aggregate classification (germline): Pathogenic (1 of 4 stars; one submission).

Conditions:
Hereditary spastic paraplegia 4. Also called: Spastic Paraplegia 4; Spastic paraplegia 4, autosomal dominant; Familial spastic paraplegia autosomal dominant 2. Identifiers: Orphanet 100985, MedGen C1866855, MONDO:0008438, OMIM 182601.

Submission:

Center for Human Genetics and Genomic Medicine, Uniklinik Rwth Aachen
Classification: Pathogenic for Hereditary spastic paraplegia 4. Last evaluated: 2026-11-20. Review status: criteria provided, single submitter. Criteria: ACMG Guidelines, 2015. Collection method: clinical testing. Allele origin: maternal. Inheritance: Autosomal dominant inheritance. Affected: yes. Observed: 1 variant allele, 1 heterozygote.
Comment: The variant is not detected in large population databases (PM2_sup). Truncating variants in the SPAST gene are known to be pathogenic (PVS1). The variant segregates with the disease in the family (PP1).

NM_014946.4(SPAST):c.1097_1098dup (p.Leu367fs)

Gene: SPAST (spastin; plus strand). Cytogenetic location: 2p22.3.
Variant type: Duplication.
Coding change: c.1097_1098dup on transcript NM_014946.4 (MANE Select); coding-DNA positions 1097 to 1098, 2 bases duplicated (AG; older notation c.1097_1098dupAG).
Protein change: p.Leu367fs; shifts the reading frame from leucine 367.
Molecular consequence: frameshift variant.
Genome position (GRCh38, 1-based): chr2:32,116,211-32,116,212, AG duplicated; duplicating any 2 consecutive bases within chr2:32,116,210-32,116,212 gives the same sequence; the c. name uses the placement nearest the transcript's 3' end. VCF-style (leftmost placement, unchanged base first): chr2-32116209-T-TGA. GRCh37 (hg19) VCF-style: chr2-32341278-T-TGA.
Other names: c.1094_1095dup, p.Leu366fs (NM_001363823.2); c.998_999dup, p.Leu334fs (NM_001363875.2); c.1001_1002dup, p.Leu335fs (NM_001377959.1, NM_199436.2); short protein forms L334fs, L335fs, L366fs, L367fs.
Identifiers: ClinVar variation 5043526 (VCV005043526.1).
Genomic context (GRCh38, chr2:32,116,209, plus strand): 5'-TGGTCAAGACTTGGCAAAACAAGCATTGCAAGAAATTGTTATTCTTCCTTCTCTGAGGCC[T>TGA]GAGGTAAGAACTTTATATTATCATTTTTCTATAATACCATCTGTTACTGAATCCATAGTA-3'